The following is an entry in ClinVar:

ClinVar aggregate classification (germline): Uncertain significance (1 of 4 stars; one submission).

Conditions:
Multiple endocrine neoplasia, type 2 (MEN2). Identifiers: Orphanet 653, MedGen C4048306, MONDO:0019003. Disease mechanism: gain of function.

Submission:

Labcorp Genetics (formerly Invitae), Labcorp
Classification: Uncertain significance for Multiple endocrine neoplasia, type 2. Last evaluated: 2023-08-17. Review status: criteria provided, single submitter. Criteria: Invitae Variant Classification Sherloc (09022015). Collection method: clinical testing. Allele origin: germline.
Comment: This sequence change replaces lysine, which is basic and polar, with arginine, which is basic and polar, at codon 737 of the RET protein (p.Lys737Arg). This variant is not present in population databases (gnomAD no frequency). This variant has not been reported in the literature in individuals affected with RET-related conditions. ClinVar contains an entry for this variant (Variation ID: 1512010). An algorithm developed to predict the effect of missense changes on protein structure and function (PolyPhen-2) suggests that this variant is likely to be disruptive. In summary, the available evidence is currently insufficient to determine the role of this variant in disease. Therefore, it has been classified as a Variant of Uncertain Significance.

NM_020975.6(RET):c.2210A>G (p.Lys737Arg)

Gene: RET (ret proto-oncogene; plus strand). Cytogenetic location: 10q11.21.
Variant type: single nucleotide variant.
Coding change: c.2210A>G on transcript NM_020975.6 (MANE Select); coding-DNA position 2210, A replaced by G.
Protein change: p.Lys737Arg; replaces lysine 737 with arginine.
Molecular consequence: missense variant.
Genome position (GRCh38, 1-based): chr10:43,116,657, A>G. VCF-style: chr10-43116657-A-G. GRCh37 (hg19) VCF-style: chr10-43612105-A-G.
Other names: c.2210A>G, p.Lys737Arg (NM_000323.2, NM_001406743.1, NM_001406744.1 and 4 more transcripts); c.1448A>G, p.Lys483Arg (NM_001355216.2); c.2081A>G, p.Lys694Arg (NM_001406761.1, NM_001406762.1, NM_001406764.1); c.2075A>G, p.Lys692Arg (NM_001406763.1, NM_001406765.1); c.1922A>G, p.Lys641Arg (NM_001406766.1, NM_001406767.1, NM_001406770.1); c.1946A>G, p.Lys649Arg (NM_001406768.1); c.1814A>G, p.Lys605Arg (NM_001406769.1, NM_001406772.1); c.1772A>G, p.Lys591Arg (NM_001406771.1, NM_001406773.1); and 10 more; short protein forms K483R, K737R, K393R, K562R, K605R, K641R, K694R, K254R.
Identifiers: ClinVar variation 1512010 (VCV001512010.9), dbSNP rs2132906106, ClinGen allele CA376554521.
Genomic context (GRCh38, chr10:43,116,657, plus strand): 5'-GGGAATTCCCTCGGAAGAACTTGGTTCTTGGAAAAACTCTAGGAGAAGGCGAATTTGGAA[A>G]AGTGGTCAAGGCAACGGCCTTCCATCTGAAAGGCAGAGCAGGGTACACCACGGTGGCCGT-3'
Protein context (NP_066124.1, residues 727-747): GKTLGEGEFG[Lys737Arg]VVKATAFHLK